The following is an entry in ClinVar:

NM_020457.3(THAP11):c.9C>G (p.Gly3=)

Genes: CENPT (centromere protein T; minus strand), THAP11 (THAP domain containing 11; plus strand). Cytogenetic location: 16q22.1.
Variant type: single nucleotide variant.
Coding change: c.9C>G on transcript NM_020457.3 (MANE Select); coding-DNA position 9, C replaced by G.
Protein change: p.Gly3=; no amino-acid change (glycine 3 retained).
Molecular consequence: synonymous variant. On other transcripts: intron variant (1).
Genome position (GRCh38, 1-based): chr16:67,842,563, C>G. VCF-style: chr16-67842563-C-G. GRCh37 (hg19) VCF-style: chr16-67876466-C-G.
Other names: c.-492+4838G>C (NM_025082.4).
Identifiers: ClinVar variation 1627825 (VCV001627825.10), dbSNP rs79492531, ClinGen allele CA8118111.

ClinVar aggregate classification (germline): Benign. Review status: criteria provided, single submitter (1 of 4 stars). 2 submissions from 2 submitters: Benign (1). 1 of the submissions does not count toward it. Last evaluated 2026-01-27.

Conditions:
THAP11-related disorder. Also called: THAP11-related condition.

Allele frequency attached by ClinVar (database versions not stated): 1000 Genomes Project 0.00599; ExAC 0.00659; ESP Exome Variant Server 0.00671; 1000 Genomes Project 30x 0.00828.
gnomAD v4.1: 1,983 of 1,531,904 alleles (0.13%); highest among the groups gnomAD compares: African/African-American, 2.5%; 25 homozygotes.

Submissions (2):

Labcorp Genetics (formerly Invitae), Labcorp
Classification: Benign. Last evaluated: 2026-01-27. Review status: criteria provided, single submitter. Criteria: Invitae Variant Classification Sherloc (09022015). Collection method: clinical testing. Allele origin: germline.

PreventionGenetics, part of Exact Sciences
Classification: Benign for THAP11-related condition. Last evaluated: 2024-02-21. Review status: no assertion criteria provided. Collection method: clinical testing. Allele origin: germline. Not counted in ClinVar's aggregate classification.
Comment: This variant is classified as benign based on ACMG/AMP sequence variant interpretation guidelines (Richards et al. 2015 PMID: 25741868, with internal and published modifications).